The following is an entry in ClinVar:

NM_025099.6(CTC1):c.3367G>A (p.Gly1123Arg)

Gene: CTC1 (CST telomere replication complex component 1; minus strand). Cytogenetic location: 17p13.1.
Variant type: single nucleotide variant.
Coding change: c.3367G>A on transcript NM_025099.6 (MANE Select); coding-DNA position 3367, G replaced by A.
Protein change: p.Gly1123Arg; replaces glycine 1123 with arginine.
Molecular consequence: missense variant. On other transcripts: non-coding transcript variant (1).
Genome position (GRCh38, 1-based): chr17:8,228,747, C>T on the plus strand (G>A on the coding strand, the complement: CTC1 is on the minus strand). VCF-style: chr17-8228747-C-T. GRCh37 (hg19) VCF-style: chr17-8132065-C-T.
Other names: short protein forms G1123R.
Identifiers: ClinVar variation 1713660 (VCV001713660.5), dbSNP rs1336846960, ClinGen allele CA397969092.
Genomic context (GRCh38, chr17:8,228,747, plus strand): 5'-ATTTGGGTATCCGAGTCCCTCCCTCCCAGCCACATTACACCTCAAGTTGGGCTCCAGGCC[C>T]TGCAAACTGCAAGACCACTCTGCCTGGCACTTGGACGAAATCTAGGAGGGAGGCCCACTC-3'
Protein context (NP_079375.3, residues 1113-1133): VPGRVVLQFA[Gly1123Arg]PGAQLESSAR

ClinVar aggregate classification (germline): Uncertain significance (1 of 4 stars; one submission).

Conditions:
Dyskeratosis congenita. Identifiers: Orphanet 1775, MedGen C0265965, MONDO:0015780.

Allele frequency attached by ClinVar (database versions not stated): gnomAD exomes below 0.00001; TOPMed below 0.00001; gnomAD 0.00001.
gnomAD v4.1: 2 of 1,614,000 alleles (0.00012%); highest among the groups gnomAD compares: African/African-American, 0.0027%; no homozygotes.

Submission:

Labcorp Genetics (formerly Invitae), Labcorp
Classification: Uncertain significance for Dyskeratosis congenita. Last evaluated: 2024-11-18. Review status: criteria provided, single submitter. Criteria: Invitae Variant Classification Sherloc (09022015). Collection method: clinical testing. Allele origin: germline.
Comment: This sequence change replaces glycine, which is neutral and non-polar, with arginine, which is basic and polar, at codon 1123 of the CTC1 protein (p.Gly1123Arg). This variant is not present in population databases (gnomAD no frequency). This variant has not been reported in the literature in individuals affected with CTC1-related conditions. ClinVar contains an entry for this variant (Variation ID: 1713660). An algorithm developed to predict the effect of missense changes on protein structure and function outputs the following: PolyPhen-2: "Benign". The arginine amino acid residue is found in multiple mammalian species, which suggests that this missense change does not adversely affect protein function. In summary, the available evidence is currently insufficient to determine the role of this variant in disease. Therefore, it has been classified as a Variant of Uncertain Significance.